The following is an entry in ClinVar:

NM_000051.4(ATM):c.6213G>A (p.Leu2071=)

Genes: C11orf65 (chromosome 11 open reading frame 65; minus strand), ATM (ATM serine/threonine kinase; plus strand). Cytogenetic location: 11q22.3.
Variant type: single nucleotide variant.
Coding change: c.6213G>A on transcript NM_000051.4 (MANE Select); coding-DNA position 6213, G replaced by A.
Protein change: p.Leu2071=; no amino-acid change (leucine 2071 retained).
Molecular consequence: synonymous variant. On other transcripts: intron variant (2).
Genome position (GRCh38, 1-based): chr11:108,317,387, G>A. VCF-style: chr11-108317387-G-A. GRCh37 (hg19) VCF-style: chr11-108188114-G-A.
Other names: c.6213G>A, p.Leu2071= (NM_001351834.2); c.641-8316C>T (NM_001330368.2); c.*39-8316C>T (NM_001351110.2).
Identifiers: ClinVar variation 1752231 (VCV001752231.4), dbSNP rs2136163112, ClinGen allele CA476675960.

ClinVar aggregate classification (germline): Conflicting classifications of pathogenicity. Review status: criteria provided, conflicting classifications (1 of 4 stars). 2 submissions from 2 submitters: Uncertain significance (1); Likely benign (1). Last evaluated 2024-07-03.

Conditions:
Ataxia-telangiectasia syndrome (AT). Also called: Ataxia telangiectasia (A-T); LOUIS-BAR SYNDROME; Cerebello-oculocutaneous telangiectasia; Immunodeficiency with ataxia telangiectasia; Ataxia-telangiectasia, complementation group D; AT, COMPLEMENTATION GROUP C. Identifiers: Orphanet 100, MedGen C0004135, MONDO:0008840, OMIM 208900.
Hereditary cancer-predisposing syndrome. Also called: Hereditary neoplastic syndrome; Neoplastic Syndromes, Hereditary; Tumor predisposition; Hereditary Cancer Syndrome. Identifiers: Orphanet 140162, MedGen C0027672, MeSH D009386, MONDO:0015356.

Submissions (2):

Labcorp Genetics (formerly Invitae), Labcorp
Classification: Uncertain significance for Ataxia-telangiectasia syndrome. Last evaluated: 2024-07-03. Review status: criteria provided, single submitter. Criteria: Invitae Variant Classification Sherloc (09022015). Collection method: clinical testing. Allele origin: germline.
Comment: This sequence change affects codon 2071 of the ATM mRNA. It is a 'silent' change, meaning that it does not change the encoded amino acid sequence of the ATM protein. This variant is not present in population databases (gnomAD no frequency). This variant has not been reported in the literature in individuals affected with ATM-related conditions. ClinVar contains an entry for this variant (Variation ID: 1752231). Algorithms developed to predict the effect of sequence changes on RNA splicing suggest that this variant may create or strengthen a splice site. In summary, the available evidence is currently insufficient to determine the role of this variant in disease. Therefore, it has been classified as a Variant of Uncertain Significance.

Ambry Genetics
Classification: Likely benign for Hereditary cancer-predisposing syndrome. Last evaluated: 2021-10-02. Review status: criteria provided, single submitter. Criteria: Ambry Variant Classification Scheme 2023. Collection method: clinical testing. Allele origin: germline.